The following is an entry in ClinVar:

NM_001886.3(CRYBA4):c.217G>A (p.Glu73Lys)

Gene: CRYBA4 (crystallin beta A4; plus strand). Cytogenetic location: 22q12.1.
Variant type: single nucleotide variant.
Coding change: c.217G>A on transcript NM_001886.3 (MANE Select); coding-DNA position 217, G replaced by A.
Protein change: p.Glu73Lys; replaces glutamic acid 73 with lysine.
Molecular consequence: missense variant.
Genome position (GRCh38, 1-based): chr22:26,625,539, G>A. VCF-style: chr22-26625539-G-A. GRCh37 (hg19) VCF-style: chr22-27021503-G-A.
Other names: short protein forms E73K.
Identifiers: ClinVar variation 4810247 (VCV004810247.1).

ClinVar aggregate classification (germline): Uncertain significance (1 of 4 stars; one submission).

Conditions:
Cataract 23 (CTRCT23). Also called: CATARACT 23, LAMELLAR; Cataract 23, multiple types. Identifiers: Orphanet 91492, MedGen C3808012, MONDO:0012489, OMIM 610425.

gnomAD v4.1: 87 of 1,613,930 alleles (0.0054%); highest among the groups gnomAD compares: Non-Finnish European, 0.0069%; no homozygotes.

Submission:

Labcorp Genetics (formerly Invitae), Labcorp
Classification: Uncertain significance for Cataract 23. Last evaluated: 2025-02-06. Review status: criteria provided, single submitter. Criteria: Invitae Variant Classification Sherloc (09022015). Collection method: clinical testing. Allele origin: germline.
Comment: This sequence change replaces glutamic acid, which is acidic and polar, with lysine, which is basic and polar, at codon 73 of the CRYBA4 protein (p.Glu73Lys). This variant is present in population databases (rs200572268, gnomAD 0.01%). This variant has not been reported in the literature in individuals affected with CRYBA4-related conditions. An algorithm developed to predict the effect of missense changes on protein structure and function (PolyPhen-2) suggests that this variant is likely to be disruptive. In summary, the available evidence is currently insufficient to determine the role of this variant in disease. Therefore, it has been classified as a Variant of Uncertain Significance.